The following is an entry in ClinVar:

NM_144687.4(NLRP12):c.1118A>G (p.Tyr373Cys)

Gene: NLRP12 (NLR family pyrin domain containing 12; minus strand). Cytogenetic location: 19q13.42.
Variant type: single nucleotide variant.
Coding change: c.1118A>G on transcript NM_144687.4 (MANE Select); coding-DNA position 1118, A replaced by G.
Protein change: p.Tyr373Cys; replaces tyrosine 373 with cysteine.
Molecular consequence: missense variant.
Genome position (GRCh38, 1-based): chr19:53,810,541, T>C on the plus strand (A>G on the coding strand, the complement: NLRP12 is on the minus strand). VCF-style: chr19-53810541-T-C. GRCh37 (hg19) VCF-style: chr19-54313795-T-C.
Other names: c.1118A>G (NM_144687.2); c.1118A>G, p.Tyr373Cys (NM_001277126.2, NM_001277129.1); short protein forms Y373C.
Identifiers: ClinVar variation 1347853 (VCV001347853.9), dbSNP rs2122671544, ClinGen allele CA407414760.
Genomic context (GRCh38, chr19:53,810,541, plus strand): 5'-TCCCTCACGTAATTGAAGACTTGGCCCGCCTGCTCTGCATTGTGGAAATACTTGTAGAAG[T>C]ATTCCTTCCTTTCTGCCTCAGAGAAGCCCAGGATCTCCACATGCCTGGGGTGCTCCAGCA-3'
Protein context (NP_653288.1, residues 363-383): LGFSEAERKE[Tyr373Cys]FYKYFHNAEQ

ClinVar aggregate classification (germline): Uncertain significance. Review status: criteria provided, multiple submitters, no conflicts (2 of 4 stars). 4 submissions from 4 submitters: Uncertain significance (4). Last evaluated 2026-08-06.

Conditions:
Familial cold autoinflammatory syndrome 2 (FCAS2). Identifiers: Orphanet 247868, MedGen C2673198, MONDO:0012724, OMIM 611762.
Inborn genetic diseases. Identifiers: MedGen C0950123, MeSH D030342.

Submissions (4):

OLLIN Analises Genomicas, OLLIN
Classification: Uncertain significance for Familial cold autoinflammatory syndrome 2. Last evaluated: 2026-08-06. Review status: criteria provided, single submitter. Criteria: ACMG Guidelines 2015 PMID 25741868. Collection method: clinical testing. Allele origin: germline. Inheritance: Autosomal dominant inheritance.
Comment: This missense variant, located in exon 3 (of 10), is absent from gnomAD and has not been identified in the literature. However, it has been reported in ClinVar (accession VCV001347853.8). In silico analysis predicts that this variant has a deleterious effect. This gene has high tolerance to missense variation. According to the currently available evidence, this variant has been classified as uncertain significance (PM2_P, PP3, BP1).

Laboratorio de Genetica e Diagnostico Molecular, Hospital Israelita Albert Einstein
Classification: Uncertain significance for Familial cold autoinflammatory syndrome 2. Last evaluated: 2024-06-10. Review status: criteria provided, single submitter. Criteria: ACMG Guidelines, 2015. Collection method: clinical testing. Allele origin: germline. Affected: yes.
Comment: ACMG classification criteria: PM2 supporting, PP3 supporting

Labcorp Genetics (formerly Invitae), Labcorp
Classification: Uncertain significance for Familial cold autoinflammatory syndrome 2. Last evaluated: 2024-05-09. Review status: criteria provided, single submitter. Criteria: Invitae Variant Classification Sherloc (09022015). Collection method: clinical testing. Allele origin: germline.
Comment: This sequence change replaces tyrosine, which is neutral and polar, with cysteine, which is neutral and slightly polar, at codon 373 of the NLRP12 protein (p.Tyr373Cys). This variant is not present in population databases (gnomAD no frequency). This variant has not been reported in the literature in individuals affected with NLRP12-related conditions. ClinVar contains an entry for this variant (Variation ID: 1347853). Advanced modeling of protein sequence and biophysical properties (such as structural, functional, and spatial information, amino acid conservation, physicochemical variation, residue mobility, and thermodynamic stability) performed at Invitae indicates that this missense variant is expected to disrupt NLRP12 protein function with a positive predictive value of 80%. In summary, the available evidence is currently insufficient to determine the role of this variant in disease. Therefore, it has been classified as a Variant of Uncertain Significance.

Ambry Genetics
Classification: Uncertain significance for Inborn genetic diseases. Last evaluated: 2022-12-21. Review status: criteria provided, single submitter. Criteria: Ambry Variant Classification Scheme 2023. Collection method: clinical testing. Allele origin: germline.